The following is an entry in ClinVar:

ClinVar aggregate classification (germline): Uncertain significance (1 of 4 stars; one submission).

Conditions:
Developmental and epileptic encephalopathy, 1 (DEE1). Also called: Epileptic encephalopathy, early infantile, 1; INFANTILE SPASM SYNDROME, X-LINKED 1; X-linked infantile spasms; West's syndrome; Tonic spasms with clustering, arrest of psychomotor development and hypsarrhythmia on EEG; X-Linked Infantile Spasm Syndrome. Identifiers: MedGen C3463992, MONDO:0010632, OMIM 308350. Disease mechanism: loss of function.
Autosomal recessive spinocerebellar ataxia 12. Also called: SPINOCEREBELLAR ATAXIA WITH MENTAL RETARDATION AND EPILEPSY. Identifiers: Orphanet 284282, MedGen C3280452, MONDO:0013687, OMIM 614322.

Submission:

Labcorp Genetics (formerly Invitae), Labcorp
Classification: Uncertain significance for Developmental and epileptic encephalopathy, 1; Autosomal recessive spinocerebellar ataxia 12. Last evaluated: 2020-03-14. Review status: criteria provided, single submitter. Criteria: Invitae Variant Classification Sherloc (09022015). Collection method: clinical testing. Allele origin: germline.
Comment: In summary, the available evidence is currently insufficient to determine the role of this variant in disease. Therefore, it has been classified as a Variant of Uncertain Significance. Algorithms developed to predict the effect of missense changes on protein structure and function are either unavailable or do not agree on the potential impact of this missense change (SIFT: "Not Available"; PolyPhen-2: "Possibly Damaging"; Align-GVGD: "Not Available"). This variant has not been reported in the literature in individuals with WWOX-related conditions. This variant is not present in population databases (ExAC no frequency). This sequence change replaces threonine with isoleucine at codon 111 of the WWOX protein (p.Thr111Ile). The threonine residue is moderately conserved and there is a moderate physicochemical difference between threonine and isoleucine.

NM_016373.4(WWOX):c.332C>T (p.Thr111Ile)

Gene: WWOX (WW domain containing oxidoreductase; plus strand). Cytogenetic location: 16q23.1.
Variant type: single nucleotide variant.
Coding change: c.332C>T on transcript NM_016373.4 (MANE Select); coding-DNA position 332, C replaced by T.
Protein change: p.Thr111Ile; replaces threonine 111 with isoleucine.
Molecular consequence: missense variant. On other transcripts: 5 prime UTR variant (1), non-coding transcript variant (1).
Genome position (GRCh38, 1-based): chr16:78,115,077, C>T. VCF-style: chr16-78115077-C-T. GRCh37 (hg19) VCF-style: chr16-78148974-C-T.
Other names: c.-8C>T (NM_001291997.2); c.332C>T, p.Thr111Ile (NM_130791.5); short protein forms T111I.
Identifiers: ClinVar variation 1014601 (VCV001014601.7), dbSNP rs114755364, ClinGen allele CA396842486.